The following is an entry in ClinVar:

NM_014975.3(MAST1):c.2544C>T (p.Ser848=)

Gene: MAST1 (microtubule associated serine/threonine kinase 1; plus strand). Cytogenetic location: 19p13.13.
Variant type: single nucleotide variant.
Coding change: c.2544C>T on transcript NM_014975.3 (MANE Select); coding-DNA position 2544, C replaced by T.
Protein change: p.Ser848=; no amino-acid change (serine 848 retained).
Molecular consequence: synonymous variant.
Genome position (GRCh38, 1-based): chr19:12,867,955, C>T. VCF-style: chr19-12867955-C-T. GRCh37 (hg19) VCF-style: chr19-12978769-C-T.
Identifiers: ClinVar variation 3036574 (VCV003036574.2), dbSNP rs1970178688, ClinGen allele CA505629862.
Genomic context (GRCh38, chr19:12,867,955, plus strand): 5'-CCCCGCGGGATCCCTGGATGCACGGGCCCCCAAAGAGGAGACTCAAGGGGAAGGCACCTC[C>T]AGCGCCGGGGACTCCGAGGCCAGTGAGTGCCCTATCGTGCTGCCTTCCCCAATCTTCCCC-3'
Protein context (NP_055790.1, residues 838-858): PKEETQGEGT[Ser848=]SAGDSEATDR

ClinVar aggregate classification (germline): Likely benign (0 of 4 stars; one submission).

Conditions:
MAST1-related disorder. Also called: MAST1-related condition.

Submission:

PreventionGenetics, part of Exact Sciences
Classification: Likely benign for MAST1-related condition. Last evaluated: 2020-05-22. Review status: no assertion criteria provided. Collection method: clinical testing. Allele origin: germline.
Comment: This variant is classified as likely benign based on ACMG/AMP sequence variant interpretation guidelines (Richards et al. 2015 PMID: 25741868, with internal and published modifications).